The following is an entry in ClinVar:

NM_000384.3(APOB):c.7385A>T (p.Lys2462Ile)

Gene: APOB (apolipoprotein B; minus strand). Cytogenetic location: 2p24.1.
Variant type: single nucleotide variant.
Coding change: c.7385A>T on transcript NM_000384.3 (MANE Select); coding-DNA position 7385, A replaced by T.
Protein change: p.Lys2462Ile; replaces lysine 2462 with isoleucine.
Molecular consequence: missense variant.
Genome position (GRCh38, 1-based): chr2:21,009,483, T>A on the plus strand (A>T on the coding strand, the complement: APOB is on the minus strand). VCF-style: chr2-21009483-T-A. GRCh37 (hg19) VCF-style: chr2-21232355-T-A.
Other names: short protein forms K2462I.
Identifiers: ClinVar variation 3753599 (VCV003753599.2).

ClinVar aggregate classification (germline): Uncertain significance (1 of 4 stars; one submission).

Conditions:
Familial hypobetalipoproteinemia 1. Also called: APOB-Related Familial Hypobetalipoproteinemia; Hypobetalipoproteinemia, normotriglyceridemic; Acanthocytosis with hypobetalipoproteinemia. Identifiers: MedGen C4551990, MONDO:0014252, OMIM 615558.
Hypercholesterolemia, autosomal dominant, type B (FHCL2). Also called: Familial Hypercholesterolemia Type B; APOLIPOPROTEIN B-100, FAMILIAL DEFECTIVE; APOLIPOPROTEIN B-100, FAMILIAL LIGAND-DEFECTIVE; HYPERCHOLESTEROLEMIA, FAMILIAL, DUE TO LIGAND-DEFECTIVE APOLIPOPROTEIN B; Hyperlipoproteinemia Type IIb; Familial hypercholesterolemia 2. Identifiers: MedGen C1704417, MONDO:0007751, OMIM 144010.

Submission:

Labcorp Genetics (formerly Invitae), Labcorp
Classification: Uncertain significance for Familial hypobetalipoproteinemia 1; Hypercholesterolemia, autosomal dominant, type B. Last evaluated: 2024-03-26. Review status: criteria provided, single submitter. Criteria: Invitae Variant Classification Sherloc (09022015). Collection method: clinical testing. Allele origin: germline.
Comment: This sequence change replaces lysine, which is basic and polar, with isoleucine, which is neutral and non-polar, at codon 2462 of the APOB protein (p.Lys2462Ile). This variant is not present in population databases (gnomAD no frequency). This variant has not been reported in the literature in individuals affected with APOB-related conditions. Advanced modeling of protein sequence and biophysical properties (such as structural, functional, and spatial information, amino acid conservation, physicochemical variation, residue mobility, and thermodynamic stability) performed at Invitae indicates that this missense variant is not expected to disrupt APOB protein function with a negative predictive value of 95%. In summary, the available evidence is currently insufficient to determine the role of this variant in disease. Therefore, it has been classified as a Variant of Uncertain Significance.